The following is an entry in ClinVar:

ClinVar aggregate classification (germline): Uncertain significance. Review status: criteria provided, multiple submitters, no conflicts (2 of 4 stars). 3 submissions from 3 submitters: Uncertain significance (3). Last evaluated 2023-09-19.

Conditions:
Hereditary cancer-predisposing syndrome. Also called: Tumor predisposition; Neoplastic Syndromes, Hereditary; Hereditary neoplastic syndrome; Hereditary Cancer Syndrome. Identifiers: Orphanet 140162, MedGen C0027672, MeSH D009386, MONDO:0015356.
Familial cancer of breast. Also called: hereditary breast carcinoma; BREAST CANCER, FAMILIAL; Hereditary breast cancer. Identifiers: Orphanet 227535, MedGen C0346153, MONDO:0016419, OMIM 114480. Disease mechanism: loss of function.

Submissions (3):

Ambry Genetics
Classification: Uncertain significance for Hereditary cancer-predisposing syndrome. Last evaluated: 2023-09-19. Review status: criteria provided, single submitter. Criteria: Ambry Variant Classification Scheme 2023. Collection method: clinical testing. Allele origin: germline.
Comment: The p.L280P variant (also known as c.839T>C), located in coding exon 6 of the CHEK2 gene, results from a T to C substitution at nucleotide position 839. The leucine at codon 280 is replaced by proline, an amino acid with similar properties. This amino acid position is well conserved in available vertebrate species. In addition, this alteration is predicted to be deleterious by in silico analysis. Since supporting evidence is limited at this time, the clinical significance of this alteration remains unclear.

Labcorp Genetics (formerly Invitae), Labcorp
Classification: Uncertain significance for Familial cancer of breast. Last evaluated: 2022-07-13. Review status: criteria provided, single submitter. Criteria: Invitae Variant Classification Sherloc (09022015). Collection method: clinical testing. Allele origin: germline.
Comment: This sequence change replaces leucine, which is neutral and non-polar, with proline, which is neutral and non-polar, at codon 280 of the CHEK2 protein (p.Leu280Pro). This variant is not present in population databases (gnomAD no frequency). In summary, the available evidence is currently insufficient to determine the role of this variant in disease. Therefore, it has been classified as a Variant of Uncertain Significance. Algorithms developed to predict the effect of missense changes on protein structure and function are either unavailable or do not agree on the potential impact of this missense change (SIFT: "Deleterious"; PolyPhen-2: "Probably Damaging"; Align-GVGD: "Class C0"). ClinVar contains an entry for this variant (Variation ID: 632771). This variant has not been reported in the literature in individuals affected with CHEK2-related conditions.

Women's Health and Genetics/Laboratory Corporation of America, LabCorp
Classification: Uncertain significance. Last evaluated: 2017-12-04. Review status: criteria provided, single submitter. Criteria: LabCorp Variant Classification Summary - May 2015. Collection method: clinical testing. Allele origin: germline.
Comment: Variant summary: The CHEK2 c.839T>C (p.Leu280Pro) variant involves the alteration of a conserved nucleotide that leads to an amino acid substitution in the located in the protein kinase domain (InterPro). 4/4 in silico tools predict a damaging outcome for this variant (SNPsandGO not captured due to low reliability index). This variant is absent in 244142 control chromosomes. The variant of interest has not, to our knowledge, been reported in affected individuals via publications and/or reputable databases/clinical diagnostic laboratories; nor evaluated for functional impact by in vivo/vitro studies. Because of the absence of clinical information and the lack of functional studies, the variant is classified as a variant of uncertain significance (VUS), until additional information becomes available.

NM_007194.4(CHEK2):c.839T>C (p.Leu280Pro)

Gene: CHEK2 (checkpoint kinase 2; minus strand). Cytogenetic location: 22q12.1.
Variant type: single nucleotide variant.
Coding change: c.839T>C on transcript NM_007194.4 (MANE Select); coding-DNA position 839, T replaced by C.
Protein change: p.Leu280Pro; replaces leucine 280 with proline.
Molecular consequence: missense variant.
Genome position (GRCh38, 1-based): chr22:28,710,013, A>G on the plus strand (T>C on the coding strand, the complement: CHEK2 is on the minus strand). VCF-style: chr22-28710013-A-G. GRCh37 (hg19) VCF-style: chr22-29106001-A-G.
Other names: c.968T>C, p.Leu323Pro (NM_001005735.3); c.176T>C, p.Leu59Pro (NM_001257387.3); c.638T>C, p.Leu213Pro (NM_001349956.3); c.839T>C, p.Leu280Pro (NM_145862.3); short protein forms L280P, L213P, L323P, L59P.
Identifiers: ClinVar variation 632771 (VCV000632771.13), dbSNP rs1490781911, ClinGen allele CA411102289.